The following is an entry in ClinVar:

NM_001357.5(DHX9):c.1397G>A (p.Gly466Glu)

Gene: DHX9 (DExH-box helicase 9; plus strand). Cytogenetic location: 1q25.3.
Variant type: single nucleotide variant.
Coding change: c.1397G>A on transcript NM_001357.5 (MANE Select); coding-DNA position 1397, G replaced by A.
Protein change: p.Gly466Glu; replaces glycine 466 with glutamic acid.
Molecular consequence: missense variant. On other transcripts: non-coding transcript variant (1).
Genome position (GRCh38, 1-based): chr1:182,866,508, G>A. VCF-style: chr1-182866508-G-A. GRCh37 (hg19) VCF-style: chr1-182835643-G-A.
Other names: short protein forms G466E.
Identifiers: ClinVar variation 3573805 (VCV003573805.1).
Genomic context (GRCh38, chr1:182,866,508, plus strand): 5'-GAAGAATCAGTGCGGTTTCTGTGGCAGAGCGAGTTGCATTTGAAAGAGGAGAAGAGCCTG[G>A]AAAAAGCTGTGGCTACAGCGTTCGATTTGAGTCTATACTTCCTCGTCCTCATGCCAGTAT-3'
Protein context (NP_001348.2, residues 456-476): RVAFERGEEP[Gly466Glu]KSCGYSVRFE

ClinVar aggregate classification (germline): Uncertain significance (1 of 4 stars; one submission).

Submission:

GeneDx
Classification: Uncertain significance. Last evaluated: 2024-07-16. Review status: criteria provided, single submitter. Criteria: GeneDx Variant Classification Process June 2021. Collection method: clinical testing. Allele origin: germline. Affected: yes.
Comment: Not observed at significant frequency in large population cohorts (gnomAD); In silico analysis supports that this missense variant has a deleterious effect on protein structure/function; Has not been previously published as pathogenic or benign to our knowledge